The following is an entry in ClinVar:

NM_001005273.3(CHD3):c.1643G>A (p.Arg548Gln)

Gene: CHD3 (chromodomain helicase DNA binding protein 3; plus strand). Cytogenetic location: 17p13.1.
Variant type: single nucleotide variant.
Coding change: c.1643G>A on transcript NM_001005273.3 (MANE Select); coding-DNA position 1643, G replaced by A.
Protein change: p.Arg548Gln; replaces arginine 548 with glutamine.
Molecular consequence: missense variant.
Genome position (GRCh38, 1-based): chr17:7,895,478, G>A. VCF-style: chr17-7895478-G-A. GRCh37 (hg19) VCF-style: chr17-7798796-G-A.
Other names: c.1820G>A, p.Arg607Gln (NM_001005271.3); c.1643G>A, p.Arg548Gln (NM_005852.4); short protein forms R548Q, R607Q.
Identifiers: ClinVar variation 1191102 (VCV001191102.2), dbSNP rs2151518787, ClinGen allele CA397934072.

ClinVar aggregate classification (germline): Uncertain significance (1 of 4 stars; one submission).

Submission:

GeneDx
Classification: Uncertain significance. Last evaluated: 2020-11-04. Review status: criteria provided, single submitter. Criteria: GeneDx Variant Classification Process June 2021. Collection method: clinical testing. Allele origin: germline. Affected: yes.
Comment: Not observed in large population cohorts (Lek et al., 2016); In silico analysis supports that this missense variant has a deleterious effect on protein structure/function; Has not been previously published as pathogenic or benign to our knowledge